The following is an entry in ClinVar:

NM_170606.3(KMT2C):c.5060C>T (p.Ser1687Leu)

Gene: KMT2C (lysine methyltransferase 2C; minus strand). Cytogenetic location: 7q36.1.
Variant type: single nucleotide variant.
Coding change: c.5060C>T on transcript NM_170606.3 (MANE Select); coding-DNA position 5060, C replaced by T.
Protein change: p.Ser1687Leu; replaces serine 1687 with leucine.
Molecular consequence: missense variant.
Genome position (GRCh38, 1-based): chr7:152,185,580, G>A on the plus strand (C>T on the coding strand, the complement: KMT2C is on the minus strand). VCF-style: chr7-152185580-G-A. GRCh37 (hg19) VCF-style: chr7-151882665-G-A.
Other names: short protein forms S1687L.
Identifiers: ClinVar variation 4689895 (VCV004689895.1).
Genomic context (GRCh38, chr7:152,185,580, plus strand): 5'-TTTAAATATTTAAAAGATAGAGGAGTTTCTTAAAATACCACATATGGTGCTCTTTCTTGT[G>A]AGCTTGCTTTTCTCCACAATTTGGCAATTTGCTTCACTCTAGTAGTCCAATCTGCAACAA-3'
Protein context (NP_733751.2, residues 1677-1697): QIAKLWRKAS[Ser1687Leu]QERAPYVQKA

ClinVar aggregate classification (germline): Uncertain significance (1 of 4 stars; one submission).

Submission:

GeneDx
Classification: Uncertain significance. Last evaluated: 2025-07-27. Review status: criteria provided, single submitter. Criteria: GeneDx Variant Classification Process June 2021. Collection method: clinical testing. Allele origin: germline. Affected: yes.
Comment: Not observed at significant frequency in large population cohorts (gnomAD); In silico analysis supports that this missense variant has a deleterious effect on protein structure/function; Has not been previously published as pathogenic or benign to our knowledge